The following is an entry in ClinVar:

ClinVar aggregate classification (germline): Uncertain significance. Review status: criteria provided, multiple submitters, no conflicts (2 of 4 stars). 2 submissions from 2 submitters: Uncertain significance (2). Last evaluated 2025-01-06.

Submissions (2):

GeneDx
Classification: Uncertain significance. Last evaluated: 2025-01-06. Review status: criteria provided, single submitter. Criteria: GeneDx Variant Classification Process June 2021. Collection method: clinical testing. Allele origin: germline. Affected: yes.
Comment: Not observed at significant frequency in large population cohorts (gnomAD); In silico analysis indicates that this missense variant does not alter protein structure/function; Has not been previously published as pathogenic or benign to our knowledge

CeGaT Center for Human Genetics Tuebingen
Classification: Uncertain significance. Last evaluated: 2024-05-01. Review status: criteria provided, single submitter. Criteria: CeGaT Center For Human Genetics Tuebingen Variant Classification Criteria Version 2. Collection method: clinical testing. Allele origin: germline. Affected: yes. Observed: 3 variant alleles.
Comment: CACNA1A: PM2

NM_001127222.2(CACNA1A):c.3247G>C (p.Gly1083Arg)

Gene: CACNA1A (calcium voltage-gated channel subunit alpha1 A; minus strand). Cytogenetic location: 19p13.13.
Variant type: single nucleotide variant.
Coding change: c.3247G>C on transcript NM_001127222.2 (MANE Select); coding-DNA position 3247, G replaced by C.
Protein change: p.Gly1083Arg; replaces glycine 1083 with arginine.
Molecular consequence: missense variant.
Genome position (GRCh38, 1-based): chr19:13,286,809, C>G on the plus strand (G>C on the coding strand, the complement: CACNA1A is on the minus strand). VCF-style: chr19-13286809-C-G. GRCh37 (hg19) VCF-style: chr19-13397623-C-G.
Other names: c.3259G>C, p.Gly1087Arg (NM_000068.4, NM_023035.3); c.3250G>C, p.Gly1084Arg (NM_001127221.2, NM_001174080.2); c.3250G>C (NM_001127221.1); short protein forms G1083R, G1084R, G1087R.
Identifiers: ClinVar variation 871986 (VCV000871986.41), dbSNP rs753077104, ClinGen allele CA404341759.